The following is an entry in ClinVar:

NM_001042681.2(RERE):c.2449_2460dup (p.Pro817_Pro820dup)

Gene: RERE (arginine-glutamic acid dipeptide repeats; minus strand). Cytogenetic location: 1p36.23.
Variant type: Duplication.
Coding change: c.2449_2460dup on transcript NM_001042681.2 (MANE Select); coding-DNA positions 2449 to 2460, 12 bases duplicated (CCGCCGCATCCC).
Protein change: p.Pro817_Pro820dup.
Molecular consequence: inframe insertion.
Genome position (GRCh38, 1-based): chr1:8,361,047-8,361,058, GGGATGCGGCGG duplicated on the plus strand (CCGCCGCATCCC on the coding strand, the reverse complement: RERE is on the minus strand); duplicating any 12 consecutive bases within chr1:8,361,047-8,361,067 gives the same sequence; the c. name uses the placement nearest the transcript's 3' end. VCF-style (leftmost placement, unchanged base first): chr1-8361046-A-AGGGATGCGGCGG. GRCh37 (hg19) VCF-style: chr1-8421106-A-AGGGATGCGGCGG.
Other names: c.2449_2460dupCCGCCGCATCCC (NM_012102.3); c.787_798dup, p.Pro263_Pro266dup (NM_001042682.2); c.2449_2460dup, p.Pro817_Pro820dup (NM_012102.4).
Identifiers: ClinVar variation 771839 (VCV000771839.35), dbSNP rs749071713, ClinGen allele CA571357.

ClinVar aggregate classification (germline): Conflicting classifications of pathogenicity. Review status: criteria provided, conflicting classifications (1 of 4 stars). 4 submissions from 4 submitters: Uncertain significance (1); Benign (1); Likely benign (2). Last evaluated 2025-09-24.

Submissions (4):

GeneDx
Classification: Uncertain significance. Last evaluated: 2025-09-24. Review status: criteria provided, single submitter. Criteria: GeneDx Variant Classification Process June 2021. Collection method: clinical testing. Allele origin: germline. Affected: yes.
Comment: In-frame duplication of 4 amino acids in a non-repeat region; Has not been previously published as pathogenic or benign to our knowledge

CeGaT Center for Human Genetics Tuebingen
Classification: Likely benign. Last evaluated: 2025-08-01. Review status: criteria provided, single submitter. Criteria: CeGaT Center For Human Genetics Tuebingen Variant Classification Criteria Version 2. Collection method: clinical testing. Allele origin: germline. Affected: yes. Observed: 6 variant alleles.
Comment: RERE: PM4, BS1, BS2

Blueprint Genetics
Classification: Likely benign. Last evaluated: 2024-10-18. Review status: criteria provided, single submitter. Criteria: ACMG Guidelines, 2015. Collection method: clinical testing. Allele origin: germline.

Labcorp Genetics (formerly Invitae), Labcorp
Classification: Benign. Last evaluated: 2022-08-08. Review status: criteria provided, single submitter. Criteria: Invitae Variant Classification Sherloc (09022015). Collection method: clinical testing. Allele origin: germline.